The following is an entry in ClinVar:

ClinVar aggregate classification (germline): Benign (0 of 4 stars; one submission).

Conditions:
TNPO1-related disorder. Also called: TNPO1-related condition.

Allele frequency attached by ClinVar (database versions not stated): gnomAD exomes 0.00059; ExAC 0.00203; 1000 Genomes Project 0.00519; 1000 Genomes Project 30x 0.00593; gnomAD 0.00648; TOPMed 0.00684; ESP Exome Variant Server 0.00831.
gnomAD v4.1: 1,875 of 1,612,512 alleles (0.12%); highest among the groups gnomAD compares: African/African-American, 2.2%; 17 homozygotes.

Submission:

PreventionGenetics, part of Exact Sciences
Classification: Benign for TNPO1-related condition. Last evaluated: 2019-07-31. Review status: no assertion criteria provided. Collection method: clinical testing. Allele origin: germline.
Comment: This variant is classified as benign based on ACMG/AMP sequence variant interpretation guidelines (Richards et al. 2015 PMID: 25741868, with internal and published modifications).

NM_002270.4(TNPO1):c.355+8A>G

Gene: TNPO1 (transportin 1; plus strand). Cytogenetic location: 5q13.2.
Variant type: single nucleotide variant.
Coding change: c.355+8A>G on transcript NM_002270.4 (MANE Select); 8 bases into the intron after coding-DNA position 355, A replaced by G.
Molecular consequence: intron variant.
Genome position (GRCh38, 1-based): chr5:72,855,931, A>G. VCF-style: chr5-72855931-A-G. GRCh37 (hg19) VCF-style: chr5-72151758-A-G.
Other names: c.331+8A>G (NM_001364292.3, NM_153188.4, NM_001364294.3 and 2 more transcripts); c.205+4612A>G (NM_001364295.3).
Identifiers: ClinVar variation 3035166 (VCV003035166.2), dbSNP rs116204058, ClinGen allele CA3301210.